The following is an entry in ClinVar:

NM_001367624.2(ZNF469):c.6361G>A (p.Ala2121Thr)

Gene: ZNF469 (zinc finger protein 469; plus strand). Cytogenetic location: 16q24.2.
Variant type: single nucleotide variant.
Coding change: c.6361G>A on transcript NM_001367624.2 (MANE Select); coding-DNA position 6361, G replaced by A.
Protein change: p.Ala2121Thr; replaces alanine 2121 with threonine.
Molecular consequence: missense variant.
Genome position (GRCh38, 1-based): chr16:88,433,831, G>A. VCF-style: chr16-88433831-G-A. GRCh37 (hg19) VCF-style: chr16-88500239-G-A.
Other names: NM_001127464.1:c.6277G>A; short protein forms A2121T.
Identifiers: ClinVar variation 2561848 (VCV002561848.3), dbSNP rs1162533968, ClinGen allele CA397105547.

ClinVar aggregate classification (germline): Conflicting classifications of pathogenicity. Review status: criteria provided, conflicting classifications (1 of 4 stars). 2 submissions from 2 submitters: Uncertain significance (1); Likely benign (1). Last evaluated 2026-06-09.

Conditions:
Cardiovascular phenotype. Identifiers: MedGen CN230736.

Allele frequency attached by ClinVar (database versions not stated): gnomAD 0.00003; TOPMed 0.00002.
gnomAD v4.1: 30 of 1,549,678 alleles (0.0019%); highest among the groups gnomAD compares: African/African-American, 0.0055%; no homozygotes.

Submissions (2):

Women's Health and Genetics/Laboratory Corporation of America, LabCorp
Classification: Uncertain significance. Last evaluated: 2026-06-09. Review status: criteria provided, single submitter. Criteria: LabCorp Variant Classification Summary - May 2015. Collection method: clinical testing. Allele origin: germline.
Comment: Variant summary: ZNF469 c.6361G>A (p.Ala2121Thr) results in a non-conservative amino acid change in the encoded protein sequence. Algorithms developed to predict the effect of missense changes on protein structure and function are either unavailable or do not agree on the potential impact of this missense change. The variant allele was found at a frequency of 1.4e-05 in 147756 control chromosomes. The available data on variant occurrences in the general population are insufficient to allow any conclusion about variant significance. To our knowledge, no occurrence of c.6361G>A in individuals affected with ZNF469-related conditions and no experimental evidence demonstrating its impact on protein function have been reported. ClinVar contains an entry for this variant (Variation ID: 2561848). Based on the evidence outlined above, the variant was classified as uncertain significance.

Ambry Genetics
Classification: Likely benign for Cardiovascular phenotype. Last evaluated: 2023-06-09. Review status: criteria provided, single submitter. Criteria: Ambry Variant Classification Scheme 2023. Collection method: clinical testing. Allele origin: germline.